The following is an entry in ClinVar:

NM_002294.3(LAMP2):c.910T>C (p.Tyr304His)

Gene: LAMP2 (lysosomal associated membrane protein 2; minus strand). Cytogenetic location: Xq24.
Variant type: single nucleotide variant.
Coding change: c.910T>C on transcript NM_002294.3 (MANE Select); coding-DNA position 910, T replaced by C.
Protein change: p.Tyr304His; replaces tyrosine 304 with histidine.
Molecular consequence: missense variant.
Genome position (GRCh38, 1-based): chrX:120,442,617, A>G on the plus strand (T>C on the coding strand, the complement: LAMP2 is on the minus strand). VCF-style: chrX-120442617-A-G. GRCh37 (hg19) VCF-style: chrX-119576472-A-G.
Other names: c.910T>C, p.Tyr304His (NM_001122606.1, NM_013995.2); short protein forms Y304H.
Identifiers: ClinVar variation 1204835 (VCV001204835.3), dbSNP rs2147279498, ClinGen allele CA414400301.
Genomic context (GRCh38, chrX:120,442,617, plus strand): 5'-GGTAATCCACAGTCTTTTTCCCCAGGCCAGTGCTTTGCTTACCGGAGCCATTAACCAAAT[A>G]CATGCTGATGTTCACTTCCTTCAGATAAAATCGGTTTTCATTTTTCTGTTTGAAAAAGAG-3'
Protein context (NP_002285.1, residues 294-314): FYLKEVNISM[Tyr304His]LVNGSVFSIA

ClinVar aggregate classification (germline): Uncertain significance (1 of 4 stars; one submission).

Submission:

GeneDx
Classification: Uncertain significance. Last evaluated: 2020-03-06. Review status: criteria provided, single submitter. Criteria: GeneDx Variant Classification Process June 2021. Collection method: clinical testing. Allele origin: germline. Affected: yes.
Comment: Has not been previously published as pathogenic or benign to our knowledge; Not observed in large population cohorts (Lek et al., 2016); In silico analysis supports that this missense variant does not alter protein structure/function